The following is an entry in ClinVar:

NM_007294.4(BRCA1):c.390C>A (p.Tyr130Ter)

Gene: BRCA1 (BRCA1 DNA repair associated; minus strand). Cytogenetic location: 17q21.31.
Variant type: single nucleotide variant.
Coding change: c.390C>A on transcript NM_007294.4 (MANE Select); coding-DNA position 390, C replaced by A.
Protein change: p.Tyr130Ter; replaces tyrosine 130 with a stop codon.
Molecular consequence: nonsense. On other transcripts: non-coding transcript variant (1).
Genome position (GRCh38, 1-based): chr17:43,104,173, G>T on the plus strand (C>A on the coding strand, the complement: BRCA1 is on the minus strand). VCF-style: chr17-43104173-G-T. GRCh37 (hg19) VCF-style: chr17-41256190-G-T.
Other names: c.249C>A, p.Tyr83Ter (NM_001407724.1, NM_001407725.1, NM_001407726.1 and 99 more transcripts); c.180C>A, p.Tyr60Ter (NM_001407853.1, NM_001407879.1, NM_001407881.1 and 58 more transcripts); c.390C>A, p.Tyr130Ter (NM_001407854.1, NM_001407858.1, NM_001407859.1 and 165 more transcripts); c.312C>A, p.Tyr104Ter (NM_001407862.1, NM_001407874.1, NM_001407875.1 and 21 more transcripts); c.9C>A, p.Tyr3Ter (NM_001407959.1, NM_001407960.1, NM_001407962.1 and 4 more transcripts); c.381C>A, p.Tyr127Ter (NM_001408408.1, NM_001407646.1, NM_001407647.1); c.258C>A, p.Tyr86Ter (NM_001408451.1); short protein forms Y130*, Y83*, Y127*, Y104*, Y60*, Y3*, Y86*.
Identifiers: ClinVar variation 55046 (VCV000055046.27), dbSNP rs80356888, ClinGen allele CA002515.

ClinVar aggregate classification (germline): Pathogenic. Review status: reviewed by expert panel (3 of 4 stars). 11 submissions from 11 submitters: Pathogenic (1). 10 of the submissions do not count toward it. Last evaluated 2016-09-08.

Conditions:
Hereditary cancer-predisposing syndrome. Also called: Hereditary Cancer Syndrome; Hereditary neoplastic syndrome; Neoplastic Syndromes, Hereditary; Tumor predisposition. Identifiers: Orphanet 140162, MedGen C0027672, MeSH D009386, MONDO:0015356.
Breast-ovarian cancer, familial, susceptibility to, 1 (BROVCA1). Also called: BRCA1 Hereditary Breast and Ovarian Cancer; OVARIAN CANCER, SUSCEPTIBILITY TO. Identifiers: Orphanet 145, MedGen C2676676, MONDO:0011450, OMIM 604370. Disease mechanism: loss of function.
Hereditary breast ovarian cancer syndrome. Also called: BRCA1- and BRCA2-Associated Hereditary Breast and Ovarian Cancer; Hereditary breast and ovarian cancer syndrome; Hereditary breast and ovarian cancer syndrome (HBOC); Breast and ovarian cancer; Hereditary breast and/or ovarian cancer syndrome; Hereditary breast and ovarian cancer. Identifiers: Orphanet 145, MedGen C0677776, MeSH D061325, MONDO:0003582. Disease mechanism: loss of function.

Allele frequency attached by ClinVar (database versions not stated): gnomAD exomes below 0.00001; ExAC 0.00001.

Submissions (11):

Evidence-based Network for the Interpretation of Germline Mutant Alleles (ENIGMA)
Classification: Pathogenic for Breast-ovarian cancer, familial, susceptibility to, 1. Last evaluated: 2016-09-08. Review status: reviewed by expert panel. Criteria: ENIGMA BRCA1/2 Classification Criteria (2015). Collection method: curation. Allele origin: germline.
Comment: Variant allele predicted to encode a truncated non-functional protein.

Center for Genomic Medicine, Rigshospitalet, Copenhagen University Hospital
Classification: Pathogenic. Last evaluated: 2025-03-04. Review status: criteria provided, single submitter. Criteria: ACMG Guidelines, 2015. Collection method: clinical testing. Allele origin: germline. Not counted in ClinVar's aggregate classification.

Labcorp Genetics (formerly Invitae), Labcorp
Classification: Pathogenic for Hereditary breast ovarian cancer syndrome. Last evaluated: 2024-02-20. Review status: criteria provided, single submitter. Criteria: Invitae Variant Classification Sherloc (09022015). Collection method: clinical testing. Allele origin: germline. Not counted in ClinVar's aggregate classification.
Comment: This sequence change creates a premature translational stop signal (p.Tyr130*) in the BRCA1 gene. It is expected to result in an absent or disrupted protein product. Loss-of-function variants in BRCA1 are known to be pathogenic (PMID: 20104584). This variant is present in population databases (rs80356888, gnomAD 0.006%). This premature translational stop signal has been observed in individual(s) with hereditary breast and/or ovarian cancer (PMID: 16287141, 19656164, 22382806, 25834617). This variant is also known as 509C>A. ClinVar contains an entry for this variant (Variation ID: 55046). For these reasons, this variant has been classified as Pathogenic.

Ambry Genetics
Classification: Pathogenic for Hereditary cancer-predisposing syndrome. Last evaluated: 2023-02-21. Review status: criteria provided, single submitter. Criteria: Ambry Variant Classification Scheme 2023. Collection method: clinical testing. Allele origin: germline. Not counted in ClinVar's aggregate classification.
Comment: The p.Y130* pathogenic mutation (also known as c.390C>A), located in coding exon 5 of the BRCA1 gene, results from a C to A substitution at nucleotide position 390. This changes the amino acid from a tyrosine to a stop codon within coding exon 5. This alteration has been reported in multiple families with breast and/or ovarian cancer (Kroiss R et al. Hum. Mutat., 2005 Dec;26:583-9; Sugano K et al. Cancer Sci., 2008 Oct;99:1967-76; Seong MW et al. Clin. Genet., 2009 Aug;76:152-60; Kim H et al. Breast Cancer Res. Treat., 2012 Aug;134:1315-26; Son BH et al. Breast Cancer Res. Treat., 2012 Jun;133:1143-52; Jeon YW et al. J Breast Cancer, 2015 Mar;18:97-100; Eoh KJ et al. Cancer Res Treat, 2018 Jul;50:917-925; Lilyquist J et al. Gynecol. Oncol., 2017 11;147:375-380; Choi MC et al. Int. J. Gynecol. Cancer, 2018 02;28:308-315; Momozawa Y et al. Nat Commun, 2018 10;9:4083; Rebbeck TR et al. Hum. Mutat., 2018 05;39:593-620). This alteration is also described in the literature as 509C>A. In addition to the clinical data presented in the literature, this alteration is expected to result in loss of function by premature protein truncation or nonsense-mediated mRNA decay. As such, this alteration is interpreted as a disease-causing mutation.

Quest Diagnostics Nichols Institute San Juan Capistrano
Classification: Pathogenic. Last evaluated: 2021-01-07. Review status: criteria provided, single submitter. Criteria: Quest Diagnostics criteria. Collection method: clinical testing. Allele origin: unknown. Not counted in ClinVar's aggregate classification.
Comment: This nonsense variant causes the premature termination of BRCA1 protein synthesis. In addition, it has been reported in individuals affected with breast and/or ovarian cancer in the published literature (PMIDs: 16287141 (2005), 29020732 (2018), 30287823 (2018), 30309222 (2019), and 30350268 (2019)). The frequency of this variant in the general population is consistent with pathogenicity. This variant has been shown to be damaging to protein function relevant to disease mechanism (PMID: 25823446). Therefore, the variant is classified as pathogenic.

Color Diagnostics, LLC DBA Color Health
Classification: Pathogenic for Hereditary cancer-predisposing syndrome. Last evaluated: 2020-01-15. Review status: criteria provided, single submitter. Criteria: ACMG Guidelines, 2015. Collection method: clinical testing. Allele origin: germline. Not counted in ClinVar's aggregate classification.
Comment: This variant changes 1 nucleotide in exon 6 of the BRCA1 gene, creating a premature translation stop signal. This variant is expected to result in an absent or non-functional protein product. This variant has been identified in 1/251444 chromosomes in the general population by the Genome Aggregation Database (gnomAD). Loss of BRCA1 function is a known mechanism of disease. Based on the available evidence, this variant is classified as Pathogenic.

Consortium of Investigators of Modifiers of BRCA1/2 (CIMBA), c/o University of Cambridge
Classification: Pathogenic for Breast-ovarian cancer, familial, susceptibility to, 1. Last evaluated: 2015-10-02. Review status: criteria provided, single submitter. Criteria: CIMBA Mutation Classification guidelines May 2016. Collection method: clinical testing. Allele origin: germline. Not counted in ClinVar's aggregate classification.

Counsyl
Classification: Pathogenic for Breast-ovarian cancer, familial, susceptibility to, 1. Last evaluated: 2017-02-24. Review status: no assertion criteria provided. Collection method: clinical testing. Allele origin: unknown. Not counted in ClinVar's aggregate classification.

Research Molecular Genetics Laboratory, Women's College Hospital, University of Toronto
Classification: Pathogenic for Hereditary breast ovarian cancer syndrome. Last evaluated: 2014-01-31. Review status: no assertion criteria provided. Collection method: research. Allele origin: germline. Affected: yes. Study: The Canadian Open Genetics Repository (COGR). Not counted in ClinVar's aggregate classification.

Breast Cancer Information Core (BIC) (BRCA1)
Classification: Pathogenic for Breast-ovarian cancer, familial 1. Last evaluated: 2002-05-29. Review status: no assertion criteria provided. Collection method: clinical testing. Allele origin: germline. Affected: yes. Observed: 1 variant allele. Not counted in ClinVar's aggregate classification.

Department of Pathology and Laboratory Medicine, Sinai Health System
Classification: Pathogenic. Review status: no assertion criteria provided. Collection method: clinical testing. Allele origin: unknown. Affected: yes. Observed: 1 variant allele. Study: The Canadian Open Genetics Repository (COGR). Not counted in ClinVar's aggregate classification.

Literature cited by the submitters: PubMed 16287141 (cited by 5 submitters); PubMed 19016756 (cited by Center for Genomic Medicine, Rigshospitalet, Copenhagen University Hospital and Ambry Genetics); PubMed 19656164 (cited by 3 submitters); PubMed 20104584 (cited by Labcorp Genetics (formerly Invitae), Labcorp); PubMed 22382806 (cited by Labcorp Genetics (formerly Invitae), Labcorp and Ambry Genetics); PubMed 25834617 (cited by Labcorp Genetics (formerly Invitae), Labcorp and Ambry Genetics); PubMed 22798144 (cited by Ambry Genetics and Counsyl); PubMed 22970155 (cited by Ambry Genetics); PubMed 25823446 (cited by 3 submitters); PubMed 28111427 (cited by Ambry Genetics); PubMed 28888541 (cited by Ambry Genetics); PubMed 29020732 (cited by Ambry Genetics and Quest Diagnostics Nichols Institute San Juan Capistrano); PubMed 29240602 (cited by Ambry Genetics); PubMed 29446198 (cited by Ambry Genetics and Quest Diagnostics Nichols Institute San Juan Capistrano); PubMed 30287823 (cited by Ambry Genetics and Quest Diagnostics Nichols Institute San Juan Capistrano); PubMed 30720243 (cited by Ambry Genetics); PubMed 30350268 (cited by Quest Diagnostics Nichols Institute San Juan Capistrano); PubMed 30309222 (cited by Quest Diagnostics Nichols Institute San Juan Capistrano); PubMed 25525159 (cited by Counsyl).